The following is an entry in ClinVar:

ClinVar aggregate classification (germline): Uncertain significance (1 of 4 stars; one submission).

Conditions:
Inborn genetic diseases. Identifiers: MedGen C0950123, MeSH D030342.

Submission:

Ambry Genetics
Classification: Uncertain significance for Inborn genetic diseases. Last evaluated: 2021-09-13. Review status: criteria provided, single submitter. Criteria: Ambry Variant Classification Scheme 2023. Collection method: clinical testing. Allele origin: germline.
Comment: The c.22_24delGCC (p.A8del) alteration is located in exon 1 (coding exon 1) of the HCFC1 gene. This alteration consists of an in-frame deletion of 3 nucleotides between nucleotide positions c.22 and c.24, resulting in the deletion of <NA> residues. Based on insufficient or conflicting evidence, the clinical significance of this alteration remains unclear.

NM_005334.3(HCFC1):c.22_24del (p.Ala8del)

Gene: HCFC1 (host cell factor C1; minus strand). Cytogenetic location: Xq28.
Variant type: Deletion.
Coding change: c.22_24del on transcript NM_005334.3 (MANE Select); coding-DNA positions 22 to 24, 3 bases deleted (GCC; older notation c.22_24delGCC).
Protein change: p.Ala8del; deletes alanine 8.
Molecular consequence: inframe deletion. On other transcripts: inframe indel (1).
Genome position (GRCh38, 1-based): chrX:153,970,817-153,970,819, GGC deleted on the plus strand (GCC on the coding strand, the reverse complement: HCFC1 is on the minus strand); deleting any 3 consecutive bases within chrX:153,970,817-153,970,821 gives the same sequence; the c. name uses the placement nearest the transcript's 3' end. VCF-style (leftmost placement, unchanged base first): chrX-153970816-TGGC-T. GRCh37 (hg19) VCF-style: chrX-153236267-TGGC-T.
Other names: c.20_22delCCG, p.Ala8del (NM_001410705.1); short protein forms A8del.
Identifiers: ClinVar variation 2246719 (VCV002246719.2), dbSNP rs1557119926, ClinGen allele CA645289850.